The following is an entry in ClinVar:

ClinVar aggregate classification (germline): Likely benign (0 of 4 stars; one submission).

Conditions:
PKD1-related disorder. Also called: PKD1-related condition.

Allele frequency attached by ClinVar (database versions not stated): gnomAD 0.00002; TOPMed 0.00002; ExAC 0.00004; ESP Exome Variant Server 0.00008.
gnomAD v4.1: 38 of 1,604,880 alleles (0.0024%); highest among the groups gnomAD compares: East Asian, 0.0067%; no homozygotes.

Submission:

PreventionGenetics, part of Exact Sciences
Classification: Likely benign for PKD1-related condition. Last evaluated: 2023-09-22. Review status: no assertion criteria provided. Collection method: clinical testing. Allele origin: germline.
Comment: This variant is classified as likely benign based on ACMG/AMP sequence variant interpretation guidelines (Richards et al. 2015 PMID: 25741868, with internal and published modifications).

NM_001009944.3(PKD1):c.936C>T (p.Ala312=)

Gene: PKD1 (polycystin 1, transient receptor potential channel interacting; minus strand). Cytogenetic location: 16p13.3.
Variant type: single nucleotide variant.
Coding change: c.936C>T on transcript NM_001009944.3 (MANE Select); coding-DNA position 936, C replaced by T.
Protein change: p.Ala312=; no amino-acid change (alanine 312 retained).
Molecular consequence: synonymous variant.
Genome position (GRCh38, 1-based): chr16:2,118,056, G>A on the plus strand (C>T on the coding strand, the complement: PKD1 is on the minus strand). VCF-style: chr16-2118056-G-A. GRCh37 (hg19) VCF-style: chr16-2168057-G-A.
Other names: c.936C>T, p.Ala312= (NM_000296.4).
Identifiers: ClinVar variation 3047921 (VCV003047921.2), dbSNP rs200848298, ClinGen allele CA7833629.
Genomic context (GRCh38, chr16:2,118,056, plus strand): 5'-GTGATAGCGCCCAGGCAGCACATAGCGATGCGAGGCAGCCGGCCCAGCGGCATCCACCTC[G>A]GCGGAGCCGTCTCCGAAGTCCCAGCGTGTGGCAGTGACAGGGAGCGGGGCAGCGATGTGG-3'
Protein context (NP_001009944.3, residues 302-322): ATRWDFGDGS[Ala312=]EVDAAGPAAS